The following is an entry in ClinVar:

ClinVar aggregate classification (germline): Uncertain significance. Review status: criteria provided, multiple submitters, no conflicts (2 of 4 stars). 2 submissions from 2 submitters: Uncertain significance (2). Last evaluated 2023-10-03.

Conditions:
Coffin-Siris syndrome 8. Identifiers: MedGen C5193054, MONDO:0032702, OMIM 618362.

Allele frequency attached by ClinVar (database versions not stated): gnomAD exomes below 0.00001; TOPMed below 0.00001; gnomAD 0.00001.
gnomAD v4.1: 2 of 1,612,742 alleles (0.00012%); highest among the groups gnomAD compares: East Asian, 0.0045%; no homozygotes.

Submissions (2):

GeneDx
Classification: Uncertain significance. Last evaluated: 2023-10-03. Review status: criteria provided, single submitter. Criteria: GeneDx Variant Classification Process June 2021. Collection method: clinical testing. Allele origin: germline. Affected: yes.
Comment: Not observed at significant frequency in large population cohorts (gnomAD); In silico analysis supports that this missense variant has a deleterious effect on protein structure/function; Has not been previously published as pathogenic or benign to our knowledge

Baylor Genetics
Classification: Uncertain significance for Coffin-Siris syndrome 8. Last evaluated: 2020-08-17. Review status: criteria provided, single submitter. Criteria: ACMG Guidelines, 2015. Collection method: clinical testing. Allele origin: unknown. Affected: yes.
Comment: This variant was determined to be of uncertain significance according to ACMG Guidelines, 2015 [PMID:25741868].

NM_001330288.2(SMARCC2):c.2999C>T (p.Ser1000Phe)

Gene: SMARCC2 (SWI/SNF related BAF chromatin remodeling complex subunit C2; minus strand). Cytogenetic location: 12q13.2.
Variant type: single nucleotide variant.
Coding change: c.2999C>T on transcript NM_001330288.2 (MANE Select); coding-DNA position 2999, C replaced by T.
Protein change: p.Ser1000Phe; replaces serine 1000 with phenylalanine.
Molecular consequence: missense variant.
Genome position (GRCh38, 1-based): chr12:56,165,551, G>A on the plus strand (C>T on the coding strand, the complement: SMARCC2 is on the minus strand). VCF-style: chr12-56165551-G-A. GRCh37 (hg19) VCF-style: chr12-56559335-G-A.
Other names: c.2999C>T, p.Ser1000Phe (NM_001130420.3, NM_139067.4); c.2906C>T, p.Ser969Phe (NM_003075.5); short protein forms S1000F, S969F.
Identifiers: ClinVar variation 1029509 (VCV001029509.2), dbSNP rs1203017760, ClinGen allele CA385339766.